The following is an entry in ClinVar:

NM_206937.2(LIG4):c.1235A>C (p.Asn412Thr)

Gene: LIG4 (DNA ligase 4; minus strand). Cytogenetic location: 13q33.3.
Variant type: single nucleotide variant.
Coding change: c.1235A>C on transcript NM_206937.2 (MANE Select); coding-DNA position 1235, A replaced by C.
Protein change: p.Asn412Thr; replaces asparagine 412 with threonine.
Molecular consequence: missense variant.
Genome position (GRCh38, 1-based): chr13:108,210,034, T>G on the plus strand (A>C on the coding strand, the complement: LIG4 is on the minus strand). VCF-style: chr13-108210034-T-G. GRCh37 (hg19) VCF-style: chr13-108862382-T-G.
Other names: c.1235A>C, p.Asn412Thr (NM_001098268.2, NM_001352598.2, NM_001352599.2 and 6 more transcripts); c.1034A>C, p.Asn345Thr (NM_001330595.2); c.1271A>C, p.Asn424Thr (NM_001352604.2); short protein forms N424T, N345T, N412T.
Identifiers: ClinVar variation 2006454 (VCV002006454.4), dbSNP rs781425152, ClinGen allele CA388618009.

ClinVar aggregate classification (germline): Uncertain significance (1 of 4 stars; one submission).

Conditions:
DNA ligase IV deficiency. Identifiers: Orphanet 99812, MedGen C1847827, MONDO:0011686, OMIM 606593.

Submission:

Labcorp Genetics (formerly Invitae), Labcorp
Classification: Uncertain significance for DNA ligase IV deficiency. Last evaluated: 2022-06-14. Review status: criteria provided, single submitter. Criteria: Invitae Variant Classification Sherloc (09022015). Collection method: clinical testing. Allele origin: germline.
Comment: This variant has not been reported in the literature in individuals affected with LIG4-related conditions. In summary, the available evidence is currently insufficient to determine the role of this variant in disease. Therefore, it has been classified as a Variant of Uncertain Significance. Algorithms developed to predict the effect of missense changes on protein structure and function (SIFT, PolyPhen-2, Align-GVGD) all suggest that this variant is likely to be tolerated. This variant is not present in population databases (gnomAD no frequency). This sequence change replaces asparagine, which is neutral and polar, with threonine, which is neutral and polar, at codon 412 of the LIG4 protein (p.Asn412Thr).